The following is an entry in ClinVar:

ClinVar aggregate classification (germline): Conflicting classifications of pathogenicity. Review status: criteria provided, conflicting classifications (1 of 4 stars). 5 submissions from 5 submitters: Uncertain significance (1); Likely benign (4). Last evaluated 2025-05-01.

Conditions:
Autosomal dominant cerebellar ataxia. Also called: Spinocerebellar Ataxia, Dominant. Identifiers: Orphanet 99, MedGen C4087347, MONDO:0020380.

Allele frequency attached by ClinVar (database versions not stated): gnomAD exomes below 0.00001; TOPMed below 0.00001; gnomAD 0.00001.
gnomAD v4.1: 21 of 1,610,824 alleles (0.0013%); highest among the groups gnomAD compares: East Asian, 0.0022%; no homozygotes.

Submissions (5):

CeGaT Center for Human Genetics Tuebingen
Classification: Likely benign. Last evaluated: 2025-05-01. Review status: criteria provided, single submitter. Criteria: CeGaT Center For Human Genetics Tuebingen Variant Classification Criteria Version 2. Collection method: clinical testing. Allele origin: germline. Affected: yes. Observed: 1 variant allele.
Comment: ITPR1: BP4, BP7

Labcorp Genetics (formerly Invitae), Labcorp
Classification: Likely benign. Last evaluated: 2024-12-15. Review status: criteria provided, single submitter. Criteria: Invitae Variant Classification Sherloc (09022015). Collection method: clinical testing. Allele origin: germline.

Blueprint Genetics
Classification: Likely benign. Last evaluated: 2024-09-18. Review status: criteria provided, single submitter. Criteria: ACMG Guidelines, 2015. Collection method: clinical testing. Allele origin: germline.

Athena Diagnostics
Classification: Likely benign. Last evaluated: 2024-07-12. Review status: criteria provided, single submitter. Criteria: Athena Diagnostics Criteria. Collection method: clinical testing. Allele origin: unknown.

Illumina Laboratory Services, Illumina
Classification: Uncertain significance for Spinocerebellar Ataxia, Dominant. Last evaluated: 2018-01-12. Review status: criteria provided, single submitter. Criteria: ICSL Variant Classification Criteria 13 December 2019. Collection method: clinical testing. Allele origin: germline.

NM_001378452.1(ITPR1):c.3555G>A (p.Val1185=)

Gene: ITPR1 (inositol 1,4,5-trisphosphate receptor type 1; plus strand). Cytogenetic location: 3p26.1.
Variant type: single nucleotide variant.
Coding change: c.3555G>A on transcript NM_001378452.1 (MANE Select); coding-DNA position 3555, G replaced by A.
Protein change: p.Val1185=; no amino-acid change (valine 1185 retained).
Molecular consequence: synonymous variant.
Genome position (GRCh38, 1-based): chr3:4,684,337, G>A. VCF-style: chr3-4684337-G-A. GRCh37 (hg19) VCF-style: chr3-4726021-G-A.
Other names: c.3528G>A, p.Val1176= (NM_001099952.4); c.3510G>A, p.Val1170= (NM_001168272.2); c.3483G>A, p.Val1161= (NM_002222.7); c.3510G>A (NM_001168272.1).
Identifiers: ClinVar variation 345728 (VCV000345728.24), dbSNP rs764767201, ClinGen allele CA10618985.